The following is an entry in ClinVar:

NM_005262.3(GFER):c.137C>T (p.Ala46Val)

Genes: GFER (growth factor, augmenter of liver regeneration; plus strand), LOC130058203 (ATAC-STARR-seq lymphoblastoid silent region 7014; plus strand). Cytogenetic location: 16p13.3.
Variant type: single nucleotide variant.
Coding change: c.137C>T on transcript NM_005262.3 (MANE Select); coding-DNA position 137, C replaced by T.
Protein change: p.Ala46Val; replaces alanine 46 with valine.
Molecular consequence: missense variant.
Genome position (GRCh38, 1-based): chr16:1,984,355, C>T. VCF-style: chr16-1984355-C-T. GRCh37 (hg19) VCF-style: chr16-2034356-C-T.
Other names: c.137C>T (NM_005262.2); short protein forms A46V.
Identifiers: ClinVar variation 1967034 (VCV001967034.5), dbSNP rs1173252857, ClinGen allele CA394300922.

ClinVar aggregate classification (germline): Uncertain significance. Review status: criteria provided, multiple submitters, no conflicts (2 of 4 stars). 2 submissions from 2 submitters: Uncertain significance (2). Last evaluated 2025-08-14.

Conditions:
Inborn genetic diseases. Identifiers: MedGen C0950123, MeSH D030342.

Allele frequency attached by ClinVar (database versions not stated): gnomAD exomes below 0.00001; gnomAD 0.00001; TOPMed 0.00002.

Submissions (2):

Ambry Genetics
Classification: Uncertain significance for Inborn genetic diseases. Last evaluated: 2025-08-14. Review status: criteria provided, single submitter. Criteria: Ambry Variant Classification Scheme 2023. Collection method: clinical testing. Allele origin: germline.

Labcorp Genetics (formerly Invitae), Labcorp
Classification: Uncertain significance. Last evaluated: 2024-09-05. Review status: criteria provided, single submitter. Criteria: Invitae Variant Classification Sherloc (09022015). Collection method: clinical testing. Allele origin: germline.
Comment: This sequence change replaces alanine, which is neutral and non-polar, with valine, which is neutral and non-polar, at codon 46 of the GFER protein (p.Ala46Val). This variant is not present in population databases (gnomAD no frequency). This variant has not been reported in the literature in individuals affected with GFER-related conditions. ClinVar contains an entry for this variant (Variation ID: 1967034). An algorithm developed to predict the effect of missense changes on protein structure and function outputs the following: PolyPhen-2: "Benign". The valine amino acid residue is found in multiple mammalian species, which suggests that this missense change does not adversely affect protein function. In summary, the available evidence is currently insufficient to determine the role of this variant in disease. Therefore, it has been classified as a Variant of Uncertain Significance.